The following is an entry in ClinVar:

ClinVar aggregate classification (germline): Uncertain significance (1 of 4 stars; one submission).

Conditions:
RBM27-related disorder. Also called: RBM27-related condition.

gnomAD v4.1: 1 of 1,614,106 alleles (0.000062%); highest among the groups gnomAD compares: East Asian, 0.0022%; no homozygotes.

Submission:

PreventionGenetics, part of Exact Sciences
Classification: Uncertain significance for RBM27-related condition. Last evaluated: 2026-02-21. Review status: criteria provided, single submitter. Criteria: ACMG Guidelines, 2015. Collection method: clinical testing. Allele origin: germline.
Comment: The RBM27 c.609G>C variant is predicted to result in the amino acid substitution p.Lys203Asn. To our knowledge, this variant has not been reported in the literature or in a large population database (gnomAD), indicating this variant is rare. At this time, the clinical significance of this variant is uncertain due to the absence of conclusive functional and genetic evidence.

NM_018989.2(RBM27):c.609G>C (p.Lys203Asn)

Genes: RBM27 (RNA binding motif protein 27; plus strand), RBM27-POU4F3 (RBM27-POU4F3 readthrough; plus strand). Cytogenetic location: 5q32.
Variant type: single nucleotide variant.
Coding change: c.609G>C on transcript NM_018989.2 (MANE Select); coding-DNA position 609, G replaced by C.
Protein change: p.Lys203Asn; replaces lysine 203 with asparagine.
Molecular consequence: missense variant.
Genome position (GRCh38, 1-based): chr5:146,230,676, G>C. VCF-style: chr5-146230676-G-C. GRCh37 (hg19) VCF-style: chr5-145610239-G-C.
Other names: c.609G>C, p.Lys203Asn (NM_001414499.1); short protein forms K203N.
Identifiers: ClinVar variation 4993188 (VCV004993188.1).